The following is an entry in ClinVar:

ClinVar aggregate classification (germline): Likely benign (1 of 4 stars; one submission).

Allele frequency attached by ClinVar (database versions not stated): ExAC 0.00001; gnomAD 0.00002; TOPMed 0.00002.
gnomAD v4.1: 34 of 1,612,346 alleles (0.0021%); highest among the groups gnomAD compares: Non-Finnish European, 0.0026%; no homozygotes.

Submission:

CeGaT Center for Human Genetics Tuebingen
Classification: Likely benign. Last evaluated: 2022-09-01. Review status: criteria provided, single submitter. Criteria: CeGaT Center For Human Genetics Tuebingen Variant Classification Criteria Version 2. Collection method: clinical testing. Allele origin: germline. Affected: yes. Observed: 1 variant allele.
Comment: RFNG: BP4, BP7

NM_002917.2(RFNG):c.522C>T (p.Pro174=)

Gene: RFNG (RFNG O-fucosylpeptide 3-beta-N-acetylglucosaminyltransferase; minus strand). Cytogenetic location: 17q25.3.
Variant type: single nucleotide variant.
Coding change: c.522C>T on transcript NM_002917.2 (MANE Select); coding-DNA position 522, C replaced by T.
Protein change: p.Pro174=; no amino-acid change (proline 174 retained).
Molecular consequence: synonymous variant.
Genome position (GRCh38, 1-based): chr17:82,050,453, G>A on the plus strand (C>T on the coding strand, the complement: RFNG is on the minus strand). VCF-style: chr17-82050453-G-A. GRCh37 (hg19) VCF-style: chr17-80008329-G-A.
Identifiers: ClinVar variation 2648482 (VCV002648482.24), dbSNP rs774769692, ClinGen allele CA8849240.